The following is an entry in ClinVar:

ClinVar aggregate classification (germline): Uncertain significance. Review status: criteria provided, multiple submitters, no conflicts (2 of 4 stars). 2 submissions from 2 submitters: Uncertain significance (2). Last evaluated 2025-04-04.

Allele frequency attached by ClinVar (database versions not stated): gnomAD 0.00004 and 0.00005; TOPMed 0.00006; gnomAD exomes 0.00005 and 0.00004; ExAC 0.00003.
gnomAD v4.1: 60 of 1,541,302 alleles (0.0039%); highest among the groups gnomAD compares: Middle Eastern, 0.14%; no homozygotes.

Submissions (2):

Ambry Genetics
Classification: Uncertain significance. Last evaluated: 2025-04-04. Review status: criteria provided, single submitter. Criteria: Ambry Variant Classification Scheme 2023. Collection method: clinical testing. Allele origin: germline.

Labcorp Genetics (formerly Invitae), Labcorp
Classification: Uncertain significance. Last evaluated: 2022-02-10. Review status: criteria provided, single submitter. Criteria: Invitae Variant Classification Sherloc (09022015). Collection method: clinical testing. Allele origin: germline.
Comment: This sequence change replaces threonine, which is neutral and polar, with isoleucine, which is neutral and non-polar, at codon 392 of the IFNAR1 protein (p.Thr392Ile). This variant is present in population databases (rs757509762, gnomAD 0.02%). This variant has not been reported in the literature in individuals affected with IFNAR1-related conditions. ClinVar contains an entry for this variant (Variation ID: 1061821). Algorithms developed to predict the effect of missense changes on protein structure and function output the following: SIFT: "Tolerated"; PolyPhen-2: "Benign"; Align-GVGD: "Class C0". The isoleucine amino acid residue is found in multiple mammalian species, which suggests that this missense change does not adversely affect protein function. In summary, the available evidence is currently insufficient to determine the role of this variant in disease. Therefore, it has been classified as a Variant of Uncertain Significance.

NM_000629.3(IFNAR1):c.1175C>T (p.Thr392Ile)

Gene: IFNAR1 (interferon alpha and beta receptor subunit 1; plus strand). Cytogenetic location: 21q22.11.
Variant type: single nucleotide variant.
Coding change: c.1175C>T on transcript NM_000629.3 (MANE Select); coding-DNA position 1175, C replaced by T.
Protein change: p.Thr392Ile; replaces threonine 392 with isoleucine.
Molecular consequence: missense variant.
Genome position (GRCh38, 1-based): chr21:33,352,789, C>T. VCF-style: chr21-33352789-C-T. GRCh37 (hg19) VCF-style: chr21-34725095-C-T.
Other names: c.1175C>T, p.Thr392Ile (NM_001384498.1, NM_001384499.1, NM_001384503.1); c.413C>T, p.Thr138Ile (NM_001384500.1); c.1160C>T, p.Thr387Ile (NM_001384501.1); c.713C>T, p.Thr238Ile (NM_001384502.1); c.968C>T, p.Thr323Ile (NM_001384504.1); c.1175C>T (NM_000629.2); short protein forms T138I, T238I, T323I, T387I, T392I.
Identifiers: ClinVar variation 1061821 (VCV001061821.5), dbSNP rs757509762, ClinGen allele CA10006692.